The following is an entry in ClinVar:

ClinVar aggregate classification (germline): Uncertain significance (1 of 4 stars; one submission).

Submission:

Labcorp Genetics (formerly Invitae), Labcorp
Classification: Uncertain significance. Last evaluated: 2025-03-04. Review status: criteria provided, single submitter. Criteria: Invitae Variant Classification Sherloc (09022015). Collection method: clinical testing. Allele origin: germline.
Comment: This sequence change creates a premature translational stop signal (p.Gln25*) in the ANG gene. While this is not anticipated to result in nonsense mediated decay, it is expected to disrupt the last 123 amino acid(s) of the ANG protein. This variant is not present in population databases (gnomAD no frequency). This variant has not been reported in the literature in individuals affected with ANG-related conditions. Experimental studies and prediction algorithms are not available or were not evaluated, and the functional significance of this variant is currently unknown. In summary, the available evidence is currently insufficient to determine the role of this variant in disease. Therefore, it has been classified as a Variant of Uncertain Significance.

NM_001097577.3(ANG):c.73C>T (p.Gln25Ter)

Genes: ANG (angiogenin; plus strand), EGILA (EGFR interacting lncRNA; minus strand), RNASE4 (ribonuclease A family member 4; plus strand). Cytogenetic location: 14q11.2.
Variant type: single nucleotide variant.
Coding change: c.73C>T on transcript NM_001097577.3 (MANE Select); coding-DNA position 73, C replaced by T.
Protein change: p.Gln25Ter; replaces glutamine 25 with a stop codon.
Molecular consequence: nonsense. On other transcripts: non-coding transcript variant (1), 5 prime UTR variant (1), intron variant (3).
Genome position (GRCh38, 1-based): chr14:20,693,637, C>T. VCF-style: chr14-20693637-C-T. GRCh37 (hg19) VCF-style: chr14-21161796-C-T.
Other names: c.73C>T, p.Gln25Ter (NM_001145.4, NM_001385271.1, NM_001385272.1 and 2 more transcripts); c.-31C>T (NM_001282192.2); c.-17-5718C>T (NM_002937.5, NM_001282193.2); c.-18+4763C>T (NM_194431.3); short protein forms Q25*.
Identifiers: ClinVar variation 4692206 (VCV004692206.1).